The following is an entry in ClinVar:

NM_015665.6(AAAS):c.885G>C (p.Trp295Cys)

Gene: AAAS (aladin WD repeat nucleoporin; minus strand). Cytogenetic location: 12q13.13.
Variant type: single nucleotide variant.
Coding change: c.885G>C on transcript NM_015665.6 (MANE Select); coding-DNA position 885, G replaced by C.
Protein change: p.Trp295Cys; replaces tryptophan 295 with cysteine.
Molecular consequence: missense variant.
Genome position (GRCh38, 1-based): chr12:53,309,207, C>G on the plus strand (G>C on the coding strand, the complement: AAAS is on the minus strand). VCF-style: chr12-53309207-C-G. GRCh37 (hg19) VCF-style: chr12-53702991-C-G.
Other names: c.885G>C (NM_015665.5); c.786G>C, p.Trp262Cys (NM_001173466.2); short protein forms W262C, W295C.
Identifiers: ClinVar variation 3251766 (VCV003251766.2), dbSNP rs766542823.

ClinVar aggregate classification (germline): Uncertain significance. Review status: criteria provided, multiple submitters, no conflicts (2 of 4 stars). 2 submissions from 2 submitters: Uncertain significance (2). Last evaluated 2025-11-06.

Conditions:
Inborn genetic diseases. Identifiers: MedGen C0950123, MeSH D030342.

Allele frequency attached by ClinVar (database versions not stated): gnomAD exomes 0.00001.
gnomAD v4.1: 12 of 1,614,010 alleles (0.00074%); highest among the groups gnomAD compares: Middle Eastern, 0.033%; no homozygotes.

Submissions (2):

Ambry Genetics
Classification: Uncertain significance for Inborn genetic diseases. Last evaluated: 2025-11-06. Review status: criteria provided, single submitter. Criteria: Ambry Variant Classification Scheme 2023. Collection method: clinical testing. Allele origin: germline.

Women's Health and Genetics/Laboratory Corporation of America, LabCorp
Classification: Uncertain significance. Last evaluated: 2024-04-23. Review status: criteria provided, single submitter. Criteria: LabCorp Variant Classification Summary - May 2015. Collection method: clinical testing. Allele origin: germline.
Comment: Variant summary: AAAS c.885G>C (p.Trp295Cys) results in a non-conservative amino acid change in the encoded protein sequence. Five of five in-silico tools predict a damaging effect of the variant on protein function. The variant allele was found at a frequency of 4e-06 in 251476 control chromosomes (gnomAD). The available data on variant occurrences in the general population are insufficient to allow any conclusion about variant significance. To our knowledge, no occurrence of c.885G>C in individuals affected with Glucocorticoid Deficiency With Achalasia and no experimental evidence demonstrating its impact on protein function have been reported. No submitters have cited clinical-significance assessments for this variant to ClinVar. Based on the evidence outlined above, the variant was classified as uncertain significance.